The following is an entry in ClinVar:

ClinVar aggregate classification (germline): Benign/Likely benign. Review status: criteria provided, multiple submitters, no conflicts (2 of 4 stars). 5 submissions from 5 submitters: Benign (3); Likely benign (2). Last evaluated 2026-02-02.

Conditions:
Primary ciliary dyskinesia 28. Also called: CILIARY DYSKINESIA, PRIMARY, 28, WITH OR WITHOUT SITUS INVERSUS. Identifiers: Orphanet 244, MedGen C3809706, MONDO:0014216, OMIM 615505.
Primary ciliary dyskinesia. Also called: Ciliary dyskinesia. Identifiers: Orphanet 244, MedGen C0008780, MONDO:0016575, HP:0012265.

Allele frequency attached by ClinVar (database versions not stated): 1000 Genomes Project 0.00060; 1000 Genomes Project 30x 0.00062; TOPMed 0.00260; ExAC 0.00275; gnomAD exomes 0.00284 and 0.00364; ESP Exome Variant Server 0.00292; gnomAD 0.00293 and 0.00319.
gnomAD v4.1: 5,775 of 1,607,124 alleles (0.36%); highest among the groups gnomAD compares: Non-Finnish European, 0.41%; 16 homozygotes.

Submissions (19):

Labcorp Genetics (formerly Invitae), Labcorp
Classification: Benign for Primary ciliary dyskinesia 28. Last evaluated: 2026-02-02. Review status: criteria provided, single submitter. Criteria: Invitae Variant Classification Sherloc (09022015). Collection method: clinical testing. Allele origin: germline.

CeGaT Center for Human Genetics Tuebingen
Classification: Likely benign. Last evaluated: 2026-02-01. Review status: criteria provided, single submitter. Criteria: CeGaT Center For Human Genetics Tuebingen Variant Classification Criteria Version 2. Collection method: clinical testing. Allele origin: germline. Affected: yes. Observed: 3 variant alleles.
Comment: SPAG1: BP4, BS2

Blueprint Genetics
Classification: Benign. Last evaluated: 2024-11-25. Review status: criteria provided, single submitter. Criteria: ACMG Guidelines, 2015. Collection method: clinical testing. Allele origin: germline.

Ambry Genetics
Classification: Likely benign for Primary ciliary dyskinesia. Last evaluated: 2016-09-30. Review status: criteria provided, single submitter. Criteria: Ambry Variant Classification Scheme 2023. Collection method: clinical testing. Allele origin: germline.

Breakthrough Genomics
Classification: Benign. Review status: criteria provided, single submitter. Criteria: ACMG Guidelines, 2015. Collection method: not provided. Allele origin: germline. Inheritance: Autosomal recessive inheritance. Affected: yes.

Dr. Peter K. Rogan Lab, Western University
No classification provided (evidence only). Condition: Clear cell carcinoma of kidney. Review status: no classification provided. Collection method: in vitro. Allele origin: not applicable. Functional consequence: retained intron. Not counted in ClinVar's aggregate classification.

Dr. Peter K. Rogan Lab, Western University
No classification provided (evidence only). Condition: Lung cancer. Review status: no classification provided. Collection method: in vitro. Allele origin: not applicable. Functional consequence: skipped exon, retained intron. Not counted in ClinVar's aggregate classification.

Dr. Peter K. Rogan Lab, Western University
No classification provided (evidence only). Condition: Melanoma. Review status: no classification provided. Collection method: in vitro. Allele origin: not applicable. Functional consequence: skipped exon. Not counted in ClinVar's aggregate classification.

Dr. Peter K. Rogan Lab, Western University
No classification provided (evidence only). Condition: Familial cancer of breast. Review status: no classification provided. Collection method: in vitro. Allele origin: not applicable. Functional consequence: skipped exon, retained intron. Not counted in ClinVar's aggregate classification.

Dr. Peter K. Rogan Lab, Western University
No classification provided (evidence only). Condition: Familial cancer of breast. Review status: no classification provided. Collection method: in vitro. Allele origin: not applicable. Functional consequence: retained intron. Not counted in ClinVar's aggregate classification.

Dr. Peter K. Rogan Lab, Western University
No classification provided (evidence only). Condition: Acute myeloid leukemia. Review status: no classification provided. Collection method: in vitro. Allele origin: not applicable. Functional consequence: retained intron. Not counted in ClinVar's aggregate classification.

Dr. Peter K. Rogan Lab, Western University
No classification provided (evidence only). Condition: Colorectal cancer. Review status: no classification provided. Collection method: in vitro. Allele origin: not applicable. Functional consequence: skipped exon. Not counted in ClinVar's aggregate classification.

Dr. Peter K. Rogan Lab, Western University
No classification provided (evidence only). Condition: Thyroid cancer, nonmedullary, 1. Review status: no classification provided. Collection method: in vitro. Allele origin: not applicable. Functional consequence: skipped exon. Not counted in ClinVar's aggregate classification.

Dr. Peter K. Rogan Lab, Western University
No classification provided (evidence only). Condition: Hepatocellular carcinoma. Review status: no classification provided. Collection method: in vitro. Allele origin: not applicable. Functional consequence: skipped exon. Not counted in ClinVar's aggregate classification.

Dr. Peter K. Rogan Lab, Western University
No classification provided (evidence only). Condition: Hepatocellular carcinoma. Review status: no classification provided. Collection method: in vitro. Allele origin: not applicable. Functional consequence: retained intron. Not counted in ClinVar's aggregate classification.

Dr. Peter K. Rogan Lab, Western University
No classification provided (evidence only). Condition: Gastric cancer. Review status: no classification provided. Collection method: in vitro. Allele origin: not applicable. Functional consequence: retained intron. Not counted in ClinVar's aggregate classification.

Dr. Peter K. Rogan Lab, Western University
No classification provided (evidence only). Condition: Gastric cancer. Review status: no classification provided. Collection method: in vitro. Allele origin: not applicable. Functional consequence: retained intron. Not counted in ClinVar's aggregate classification.

Dr. Peter K. Rogan Lab, Western University
No classification provided (evidence only). Condition: Gastric cancer. Review status: no classification provided. Collection method: in vitro. Allele origin: not applicable. Functional consequence: retained intron. Not counted in ClinVar's aggregate classification.

Dr. Peter K. Rogan Lab, Western University
No classification provided (evidence only). Condition: Malignant tumor of esophagus. Review status: no classification provided. Collection method: in vitro. Allele origin: not applicable. Functional consequence: retained intron. Not counted in ClinVar's aggregate classification.

NM_003114.5(SPAG1):c.1542G>A (p.Leu514=)

Gene: SPAG1 (sperm associated antigen 1; plus strand). Cytogenetic location: 8q22.2.
Variant type: single nucleotide variant.
Coding change: c.1542G>A on transcript NM_003114.5 (MANE Select); coding-DNA position 1542, G replaced by A.
Protein change: p.Leu514=; no amino-acid change (leucine 514 retained).
Molecular consequence: synonymous variant.
Genome position (GRCh38, 1-based): chr8:100,220,285, G>A. VCF-style: chr8-100220285-G-A. GRCh37 (hg19) VCF-style: chr8-101232513-G-A.
Other names: c.1542G>A, p.Leu514= (NM_001374321.1, NM_172218.3).
Identifiers: ClinVar variation 416525 (VCV000416525.38), dbSNP rs117747863, ClinGen allele CA4827535.